The following is an entry in ClinVar:

ClinVar aggregate classification (germline): Uncertain significance. Review status: criteria provided, multiple submitters, no conflicts (2 of 4 stars). 2 submissions from 2 submitters: Uncertain significance (2). Last evaluated 2025-10-24.

Conditions:
Inborn genetic diseases. Identifiers: MedGen C0950123, MeSH D030342.

Allele frequency attached by ClinVar (database versions not stated): gnomAD exomes 0.00001.
gnomAD v4.1: 15 of 1,614,138 alleles (0.00093%); highest among the groups gnomAD compares: Non-Finnish European, 0.0012%; no homozygotes.

Submissions (2):

Ambry Genetics
Classification: Uncertain significance for Inborn genetic diseases. Last evaluated: 2025-10-24. Review status: criteria provided, single submitter. Criteria: Ambry Variant Classification Scheme 2023. Collection method: clinical testing. Allele origin: germline.

Labcorp Genetics (formerly Invitae), Labcorp
Classification: Uncertain significance. Last evaluated: 2024-02-20. Review status: criteria provided, single submitter. Criteria: Invitae Variant Classification Sherloc (09022015). Collection method: clinical testing. Allele origin: germline.
Comment: This sequence change replaces isoleucine, which is neutral and non-polar, with leucine, which is neutral and non-polar, at codon 687 of the PCDH15 protein (p.Ile687Leu). This variant is not present in population databases (gnomAD no frequency). This variant has not been reported in the literature in individuals affected with PCDH15-related conditions. ClinVar contains an entry for this variant (Variation ID: 1514652). Advanced modeling of protein sequence and biophysical properties (such as structural, functional, and spatial information, amino acid conservation, physicochemical variation, residue mobility, and thermodynamic stability) performed at Invitae indicates that this missense variant is not expected to disrupt PCDH15 protein function with a negative predictive value of 80%. In summary, the available evidence is currently insufficient to determine the role of this variant in disease. Therefore, it has been classified as a Variant of Uncertain Significance.

NM_001384140.1(PCDH15):c.2059A>C (p.Ile687Leu)

Gene: PCDH15 (protocadherin related 15; minus strand). Cytogenetic location: 10q21.1.
Variant type: single nucleotide variant.
Coding change: c.2059A>C on transcript NM_001384140.1 (MANE Select); coding-DNA position 2059, A replaced by C.
Protein change: p.Ile687Leu; replaces isoleucine 687 with leucine.
Molecular consequence: missense variant.
Genome position (GRCh38, 1-based): chr10:54,079,363, T>G on the plus strand (A>C on the coding strand, the complement: PCDH15 is on the minus strand). VCF-style: chr10-54079363-T-G. GRCh37 (hg19) VCF-style: chr10-55839123-T-G.
Other names: c.2074A>C, p.Ile692Leu (NM_001142763.2, NM_001142771.2); c.2059A>C, p.Ile687Leu (NM_001142764.2, NM_001142766.2, NM_001142770.3 and 5 more transcripts); c.1846A>C, p.Ile616Leu (NM_001142765.2); c.1948A>C, p.Ile650Leu (NM_001142767.2); c.1993A>C, p.Ile665Leu (NM_001142768.2, NM_001142773.2, NM_001354404.2); c.2095A>C, p.Ile699Leu (NM_001142769.4); c.2080A>C, p.Ile694Leu (NM_001354411.2); short protein forms I650L, I665L, I692L, I616L, I694L, I687L, I699L.
Identifiers: ClinVar variation 1514652 (VCV001514652.7), dbSNP rs773061675, ClinGen allele CA207193177.